The following is an entry in ClinVar:

NM_002471.4(MYH6):c.3826A>T (p.Thr1276Ser)

Gene: MYH6 (myosin heavy chain 6; minus strand). Cytogenetic location: 14q11.2.
Variant type: single nucleotide variant.
Coding change: c.3826A>T on transcript NM_002471.4 (MANE Select); coding-DNA position 3826, A replaced by T.
Protein change: p.Thr1276Ser; replaces threonine 1276 with serine.
Molecular consequence: missense variant.
Genome position (GRCh38, 1-based): chr14:23,389,626, T>A on the plus strand (A>T on the coding strand, the complement: MYH6 is on the minus strand). VCF-style: chr14-23389626-T-A. GRCh37 (hg19) VCF-style: chr14-23858835-T-A.
Other names: short protein forms T1276S.
Identifiers: ClinVar variation 2452921 (VCV002452921.2), dbSNP rs1595053175, ClinGen allele CA389003399.

ClinVar aggregate classification (germline): Uncertain significance (1 of 4 stars; one submission).

Conditions:
Cardiovascular phenotype. Identifiers: MedGen CN230736.

Submission:

Ambry Genetics
Classification: Uncertain significance for Cardiovascular phenotype. Last evaluated: 2023-01-14. Review status: criteria provided, single submitter. Criteria: Ambry Variant Classification Scheme 2023. Collection method: clinical testing. Allele origin: germline.
Comment: The p.T1276S variant (also known as c.3826A>T), located in coding exon 25 of the MYH6 gene, results from an A to T substitution at nucleotide position 3826. The threonine at codon 1276 is replaced by serine, an amino acid with similar properties. This amino acid position is conserved. In addition, this alteration is predicted to be tolerated by in silico analysis. Since supporting evidence is limited at this time, the clinical significance of this alteration remains unclear.